The following is an entry in ClinVar:

NM_002529.4(NTRK1):c.933G>A (p.Pro311=)

Gene: NTRK1 (neurotrophic receptor tyrosine kinase 1; plus strand). Cytogenetic location: 1q23.1.
Variant type: single nucleotide variant.
Coding change: c.933G>A on transcript NM_002529.4 (MANE Select); coding-DNA position 933, G replaced by A.
Protein change: p.Pro311=; no amino-acid change (proline 311 retained).
Molecular consequence: synonymous variant.
Genome position (GRCh38, 1-based): chr1:156,873,715, G>A. VCF-style: chr1-156873715-G-A. GRCh37 (hg19) VCF-style: chr1-156843507-G-A.
Other names: p.Pro311=; c.843G>A, p.Pro281= (NM_001007792.1); c.933G>A, p.Pro311= (NM_001012331.2); c.933G>A (NM_001012331.1).
Identifiers: ClinVar variation 1095403 (VCV001095403.10), dbSNP rs772308853, ClinGen allele CA1169146.

ClinVar aggregate classification (germline): Likely benign. Review status: criteria provided, multiple submitters, no conflicts (2 of 4 stars). 2 submissions from 2 submitters: Likely benign (2). Last evaluated 2025-05-28.

Conditions:
Hereditary insensitivity to pain with anhidrosis (CIPA). Also called: HSAN Type IV; NTRK1 Congenital Insensitivity to Pain with Anhidrosis; hereditary sensory and autonomic neuropathy type 4; INSENSITIVITY TO PAIN, CONGENITAL, WITH ANHIDROSIS; NEUROPATHY, CONGENITAL SENSORY, WITH ANHIDROSIS; FAMILIAL DYSAUTONOMIA, TYPE II. Identifiers: Orphanet 642, MedGen C0020074, MONDO:0009746, OMIM 256800.

Allele frequency attached by ClinVar (database versions not stated): ExAC 0.00002; gnomAD exomes 0.00002.
gnomAD v4.1: 10 of 1,612,314 alleles (0.00062%); highest among the groups gnomAD compares: East Asian, 0.0022%; no homozygotes.

Submissions (2):

Mayo Clinic Laboratories, Mayo Clinic
Classification: Likely benign. Last evaluated: 2025-05-28. Review status: criteria provided, single submitter. Criteria: ACMG Guidelines, 2015. Collection method: clinical testing. Allele origin: germline. Observed: 1 variant allele.
Comment: BP4, BP7

Labcorp Genetics (formerly Invitae), Labcorp
Classification: Likely benign for Hereditary insensitivity to pain with anhidrosis. Last evaluated: 2025-03-28. Review status: criteria provided, single submitter. Criteria: Invitae Variant Classification Sherloc (09022015). Collection method: clinical testing. Allele origin: germline.